The following is an entry in ClinVar:

ClinVar aggregate classification (germline): Uncertain significance (1 of 4 stars; one submission).

Submission:

Labcorp Genetics (formerly Invitae), Labcorp
Classification: Uncertain significance. Last evaluated: 2024-10-28. Review status: criteria provided, single submitter. Criteria: Invitae Variant Classification Sherloc (09022015). Collection method: clinical testing. Allele origin: germline.
Comment: This sequence change replaces valine, which is neutral and non-polar, with leucine, which is neutral and non-polar, at codon 161 of the RIMS1 protein (p.Val161Leu). This variant is not present in population databases (gnomAD no frequency). This variant has not been reported in the literature in individuals affected with RIMS1-related conditions. An algorithm developed to predict the effect of missense changes on protein structure and function (PolyPhen-2) suggests that this variant is likely to be disruptive. In summary, the available evidence is currently insufficient to determine the role of this variant in disease. Therefore, it has been classified as a Variant of Uncertain Significance.

NM_014989.7(RIMS1):c.481G>T (p.Val161Leu)

Gene: RIMS1 (regulating synaptic membrane exocytosis 1; plus strand). Cytogenetic location: 6q13.
Variant type: single nucleotide variant.
Coding change: c.481G>T on transcript NM_014989.7 (MANE Select); coding-DNA position 481, G replaced by T.
Protein change: p.Val161Leu; replaces valine 161 with leucine.
Molecular consequence: missense variant.
Genome position (GRCh38, 1-based): chr6:72,179,584, G>T. VCF-style: chr6-72179584-G-T. GRCh37 (hg19) VCF-style: chr6-72889287-G-T.
Other names: short protein forms V161L.
Identifiers: ClinVar variation 3723990 (VCV003723990.2).
Genomic context (GRCh38, chr6:72,179,584, plus strand): 5'-TTATTTCCAAGAGGGCATAAAAATTTATATTGTTCTTTCTTCTTCAAATAGGTTATGTGG[G>T]TATGCAATTTATGTCGAAAGCAACAAGAAATCTTAACCAAATCTGGGGCATGGTTCTTTG-3'
Protein context (NP_055804.2, residues 151-171): SNNEDKVVMW[Val161Leu]CNLCRKQQEI